The following is an entry in ClinVar:

ClinVar aggregate classification (germline): Conflicting classifications of pathogenicity. Review status: criteria provided, conflicting classifications (1 of 4 stars). 4 submissions from 4 submitters: Uncertain significance (1); Likely benign (3). Last evaluated 2026-01-04.

Conditions:
Inborn genetic diseases. Identifiers: MedGen C0950123, MeSH D030342.

Allele frequency attached by ClinVar (database versions not stated): TOPMed 0.00002; 1000 Genomes Project 30x 0.00078; 1000 Genomes Project 0.00080; gnomAD 0.00008; gnomAD exomes 0.00014 and 0.00020; ExAC 0.00023.
gnomAD v4.1: 211 of 1,613,484 alleles (0.013%); highest among the groups gnomAD compares: South Asian, 0.2%; no homozygotes.

Submissions (4):

Labcorp Genetics (formerly Invitae), Labcorp
Classification: Likely benign. Last evaluated: 2026-01-04. Review status: criteria provided, single submitter. Criteria: Invitae Variant Classification Sherloc (09022015). Collection method: clinical testing. Allele origin: germline.

Ambry Genetics
Classification: Likely benign for Inborn genetic diseases. Last evaluated: 2024-11-22. Review status: criteria provided, single submitter. Criteria: Ambry Variant Classification Scheme 2023. Collection method: clinical testing. Allele origin: germline.

CeGaT Center for Human Genetics Tuebingen
Classification: Likely benign. Last evaluated: 2024-09-01. Review status: criteria provided, single submitter. Criteria: CeGaT Center For Human Genetics Tuebingen Variant Classification Criteria Version 2. Collection method: clinical testing. Allele origin: germline. Affected: yes. Observed: 1 variant allele.
Comment: SAMD9: BP4

Blueprint Genetics
Classification: Uncertain significance. Last evaluated: 2024-02-16. Review status: criteria provided, single submitter. Criteria: ACMG Guidelines, 2015. Collection method: clinical testing. Allele origin: germline.

NM_017654.4(SAMD9):c.2693A>C (p.Glu898Ala)

Gene: SAMD9 (sterile alpha motif domain containing 9; minus strand). Cytogenetic location: 7q21.2.
Variant type: single nucleotide variant.
Coding change: c.2693A>C on transcript NM_017654.4 (MANE Select); coding-DNA position 2693, A replaced by C.
Protein change: p.Glu898Ala; replaces glutamic acid 898 with alanine.
Molecular consequence: missense variant.
Genome position (GRCh38, 1-based): chr7:93,103,405, T>G on the plus strand (A>C on the coding strand, the complement: SAMD9 is on the minus strand). VCF-style: chr7-93103405-T-G. GRCh37 (hg19) VCF-style: chr7-92732718-T-G.
Other names: c.2693A>C (NM_017654.3); c.2693A>C, p.Glu898Ala (NM_001193307.2); short protein forms E898A.
Identifiers: ClinVar variation 1434256 (VCV001434256.22), dbSNP rs181919575, ClinGen allele CA4342797.